The following is an entry in ClinVar:

ClinVar aggregate classification (germline): Uncertain significance (1 of 4 stars; one submission).

gnomAD v4.1: 4 of 1,611,690 alleles (0.00025%); highest among the groups gnomAD compares: East Asian, 0.0022%; no homozygotes.

Submission:

Labcorp Genetics (formerly Invitae), Labcorp
Classification: Uncertain significance. Last evaluated: 2025-03-09. Review status: criteria provided, single submitter. Criteria: Invitae Variant Classification Sherloc (09022015). Collection method: clinical testing. Allele origin: germline.
Comment: This sequence change replaces tyrosine, which is neutral and polar, with cysteine, which is neutral and slightly polar, at codon 3222 of the HMCN1 protein (p.Tyr3222Cys). This variant is not present in population databases (gnomAD no frequency). This variant has not been reported in the literature in individuals affected with HMCN1-related conditions. An algorithm developed to predict the effect of missense changes on protein structure and function (PolyPhen-2) suggests that this variant is likely to be disruptive. In summary, the available evidence is currently insufficient to determine the role of this variant in disease. Therefore, it has been classified as a Variant of Uncertain Significance.

NM_031935.3(HMCN1):c.9665A>G (p.Tyr3222Cys)

Gene: HMCN1 (hemicentin 1; plus strand). Cytogenetic location: 1q31.1.
Variant type: single nucleotide variant.
Coding change: c.9665A>G on transcript NM_031935.3 (MANE Select); coding-DNA position 9665, A replaced by G.
Protein change: p.Tyr3222Cys; replaces tyrosine 3222 with cysteine.
Molecular consequence: missense variant.
Genome position (GRCh38, 1-based): chr1:186,088,693, A>G. VCF-style: chr1-186088693-A-G. GRCh37 (hg19) VCF-style: chr1-186057825-A-G.
Other names: short protein forms Y3222C.
Identifiers: ClinVar variation 4760014 (VCV004760014.1).